The following is an entry in ClinVar:

NM_002439.5(MSH3):c.2762A>T (p.Tyr921Phe)

Gene: MSH3 (mutS homolog 3; plus strand). Cytogenetic location: 5q14.1.
Variant type: single nucleotide variant.
Coding change: c.2762A>T on transcript NM_002439.5 (MANE Select); coding-DNA position 2762, A replaced by T.
Protein change: p.Tyr921Phe; replaces tyrosine 921 with phenylalanine.
Molecular consequence: missense variant.
Genome position (GRCh38, 1-based): chr5:80,813,690, A>T. VCF-style: chr5-80813690-A-T. GRCh37 (hg19) VCF-style: chr5-80109509-A-T.
Other names: c.2762A>T (NM_002439.3); short protein forms Y921F.
Identifiers: ClinVar variation 2827623 (VCV002827623.4), dbSNP rs190723980, ClinGen allele CA360274024.

ClinVar aggregate classification (germline): Uncertain significance. Review status: criteria provided, multiple submitters, no conflicts (2 of 4 stars). 2 submissions from 2 submitters: Uncertain significance (2). Last evaluated 2024-05-02.

Conditions:
Hereditary cancer-predisposing syndrome. Also called: Neoplastic Syndromes, Hereditary; Hereditary neoplastic syndrome; Tumor predisposition; Hereditary Cancer Syndrome. Identifiers: Orphanet 140162, MedGen C0027672, MeSH D009386, MONDO:0015356.

gnomAD v4.1: 5 of 1,614,178 alleles (0.00031%); highest among the groups gnomAD compares: Non-Finnish European, 0.00034%; no homozygotes.

Submissions (2):

Ambry Genetics
Classification: Uncertain significance for Hereditary cancer-predisposing syndrome. Last evaluated: 2024-05-02. Review status: criteria provided, single submitter. Criteria: Ambry Variant Classification Scheme 2023. Collection method: clinical testing. Allele origin: germline.
Comment: The p.Y921F variant (also known as c.2762A>T), located in coding exon 20 of the MSH3 gene, results from an A to T substitution at nucleotide position 2762. The tyrosine at codon 921 is replaced by phenylalanine, an amino acid with highly similar properties. This amino acid position is conserved. In addition, this alteration is predicted to be tolerated by in silico analysis. Based on the available evidence, the clinical significance of this variant remains unclear.

Labcorp Genetics (formerly Invitae), Labcorp
Classification: Uncertain significance. Last evaluated: 2023-12-10. Review status: criteria provided, single submitter. Criteria: Invitae Variant Classification Sherloc (09022015). Collection method: clinical testing. Allele origin: germline.
Comment: This sequence change replaces tyrosine, which is neutral and polar, with phenylalanine, which is neutral and non-polar, at codon 921 of the MSH3 protein (p.Tyr921Phe). This variant is not present in population databases (gnomAD no frequency). This variant has not been reported in the literature in individuals affected with MSH3-related conditions. An algorithm developed to predict the effect of missense changes on protein structure and function (PolyPhen-2) suggests that this variant is likely to be tolerated. In summary, the available evidence is currently insufficient to determine the role of this variant in disease. Therefore, it has been classified as a Variant of Uncertain Significance.